The following is an entry in ClinVar:

NC_000008.11:g.85661725G>T

Variant type: single nucleotide variant.
Genome position: GRCh38 VCF-style: chr8-85661725-G-T. GRCh37 (hg19) VCF-style: chr8-86573954-G-T.
Identifiers: ClinVar variation 5040931 (VCV005040931.1).

ClinVar aggregate classification (germline): Likely benign (1 of 4 stars; one submission).

Submission:

CeGaT Center for Human Genetics Tuebingen
Classification: Likely benign. Last evaluated: 2026-09-01. Review status: criteria provided, single submitter. Criteria: CeGaT Center For Human Genetics Tuebingen Variant Classification Criteria Version 2. Collection method: clinical testing. Allele origin: germline. Affected: yes. Observed: 1 variant allele.
Comment: REXO1L1P: BP4, BP7